The following is an entry in ClinVar:

ClinVar aggregate classification (germline): Likely benign (1 of 4 stars; one submission).

Submission:

CeGaT Center for Human Genetics Tuebingen
Classification: Likely benign. Last evaluated: 2025-06-01. Review status: criteria provided, single submitter. Criteria: CeGaT Center For Human Genetics Tuebingen Variant Classification Criteria Version 2. Collection method: clinical testing. Allele origin: germline. Affected: yes. Observed: 1 variant allele.
Comment: LILRA6: BP4, BP7; LILRB3: BP4, BP7

NM_024318.5(LILRA6):c.330C>T (p.Ser110=)

Genes: LILRA6 (leukocyte immunoglobulin like receptor A6; minus strand), LILRB3 (leukocyte immunoglobulin like receptor B3; minus strand). Cytogenetic location: 19q13.42.
Variant type: single nucleotide variant.
Coding change: c.330C>T on transcript NM_024318.5 (MANE Select); coding-DNA position 330, C replaced by T.
Protein change: p.Ser110=; no amino-acid change (serine 110 retained).
Molecular consequence: synonymous variant. On other transcripts: non-coding transcript variant (1).
Genome position (GRCh38, 1-based): chr19:54,242,051, G>A on the plus strand (C>T on the coding strand, the complement: LILRA6 is on the minus strand). VCF-style: chr19-54242051-G-A. GRCh37 (hg19) VCF-style: chr19-54745927-G-A.
Identifiers: ClinVar variation 3905038 (VCV003905038.10).